The following is an entry in ClinVar:

NM_153603.4(COG7):c.1321C>T (p.Gln441Ter)

Gene: COG7 (component of oligomeric golgi complex 7; minus strand). Cytogenetic location: 16p12.2.
Variant type: single nucleotide variant.
Coding change: c.1321C>T on transcript NM_153603.4 (MANE Select); coding-DNA position 1321, C replaced by T.
Protein change: p.Gln441Ter; replaces glutamine 441 with a stop codon.
Molecular consequence: nonsense.
Genome position (GRCh38, 1-based): chr16:23,413,536, G>A on the plus strand (C>T on the coding strand, the complement: COG7 is on the minus strand). VCF-style: chr16-23413536-G-A. GRCh37 (hg19) VCF-style: chr16-23424857-G-A.
Other names: short protein forms Q441*.
Identifiers: ClinVar variation 489365 (VCV000489365.4), dbSNP rs769603091, ClinGen allele CA7961016.
Genomic context (GRCh38, chr16:23,413,536, plus strand): 5'-CTTCCTGGAAGAGGGAGTTGGGAGGAATGTGGTCCAGTTTGCACTTCTTTCGTATGGACT[G>A]GAGAGTGCTGGTGAAATCAGACACATACCTGCCGGGAAAGGGAAGAAAATGGTAGGGAGG-3'

ClinVar aggregate classification (germline): Pathogenic (1 of 4 stars; one submission).

Allele frequency attached by ClinVar (database versions not stated): gnomAD exomes below 0.00001; ExAC 0.00001.
gnomAD v4.1: 1 of 1,608,562 alleles (0.000062%); highest among the groups gnomAD compares: Non-Finnish European, 0.000085%; no homozygotes.

Submission:

GeneDx
Classification: Pathogenic. Last evaluated: 2020-09-29. Review status: criteria provided, single submitter. Criteria: GeneDx Variant Classification Process June 2021. Collection method: clinical testing. Allele origin: germline. Affected: yes.
Comment: Nonsense variant predicted to result in protein truncation or nonsense mediated decay in a gene for which loss-of-function is a known mechanism of disease; Not observed at a significant frequency in large population cohorts (Lek et al., 2016); Has not been previously published as pathogenic or benign to our knowledge